The following is an entry in ClinVar:

NM_001164508.2(NEB):c.10624G>C (p.Asp3542His)

Gene: NEB (nebulin; minus strand). Cytogenetic location: 2q23.3.
Variant type: single nucleotide variant.
Coding change: c.10624G>C on transcript NM_001164508.2 (MANE Select); coding-DNA position 10624, G replaced by C.
Protein change: p.Asp3542His; replaces aspartic acid 3542 with histidine.
Molecular consequence: missense variant.
Genome position (GRCh38, 1-based): chr2:151,619,699, C>G on the plus strand (G>C on the coding strand, the complement: NEB is on the minus strand). VCF-style: chr2-151619699-C-G. GRCh37 (hg19) VCF-style: chr2-152476213-C-G.
Other names: c.9895G>C (NM_004543.4); c.10624G>C, p.Asp3542His (NM_001164507.2, NM_001271208.2); c.9895G>C, p.Asp3299His (NM_004543.5); short protein forms D3299H, D3542H.
Identifiers: ClinVar variation 1907927 (VCV001907927.7), dbSNP rs777939660, ClinGen allele CA1908973.

ClinVar aggregate classification (germline): Uncertain significance. Review status: criteria provided, multiple submitters, no conflicts (2 of 4 stars). 4 submissions from 4 submitters: Uncertain significance (4). Last evaluated 2025-03-20.

Conditions:
Inborn genetic diseases. Identifiers: MedGen C0950123, MeSH D030342.
Nemaline myopathy 2 (NEM2). Also called: Nemaline myopathy 2, autosomal recessive. Identifiers: MedGen C1850569, MONDO:0009725, OMIM 256030.

Allele frequency attached by ClinVar (database versions not stated): gnomAD 0.00010; ExAC 0.00012.
gnomAD v4.1: 162 of 1,613,924 alleles (0.01%); highest among the groups gnomAD compares: Middle Eastern, 0.066%; no homozygotes.

Submissions (4):

Ambry Genetics
Classification: Uncertain significance for Inborn genetic diseases. Last evaluated: 2025-03-20. Review status: criteria provided, single submitter. Criteria: Ambry Variant Classification Scheme 2023. Collection method: clinical testing. Allele origin: germline.

Revvity Omics, Revvity
Classification: Uncertain significance. Last evaluated: 2023-12-29. Review status: criteria provided, single submitter. Criteria: ACMG Guidelines, 2015. Collection method: clinical testing. Allele origin: germline.

GeneDx
Classification: Uncertain significance. Last evaluated: 2022-07-21. Review status: criteria provided, single submitter. Criteria: GeneDx Variant Classification Process June 2021. Collection method: clinical testing. Allele origin: germline. Affected: yes.
Comment: In silico analysis supports that this missense variant has a deleterious effect on protein structure/function; Has not been previously published as pathogenic or benign to our knowledge

Labcorp Genetics (formerly Invitae), Labcorp
Classification: Uncertain significance for Nemaline myopathy 2. Last evaluated: 2022-07-20. Review status: criteria provided, single submitter. Criteria: Invitae Variant Classification Sherloc (09022015). Collection method: clinical testing. Allele origin: germline.
Comment: This sequence change replaces aspartic acid, which is acidic and polar, with histidine, which is basic and polar, at codon 3542 of the NEB protein (p.Asp3542His). This variant is present in population databases (rs777939660, gnomAD 0.02%). This variant has not been reported in the literature in individuals affected with NEB-related conditions. Algorithms developed to predict the effect of missense changes on protein structure and function are either unavailable or do not agree on the potential impact of this missense change (SIFT: "Deleterious"; PolyPhen-2: "Not Available"; Align-GVGD: "Class C0"). In summary, the available evidence is currently insufficient to determine the role of this variant in disease. Therefore, it has been classified as a Variant of Uncertain Significance.